The following is an entry in ClinVar:

NM_017852.5(NLRP2):c.1124A>C (p.Glu375Ala)

Gene: NLRP2 (NLR family pyrin domain containing 2; plus strand). Cytogenetic location: 19q13.42.
Variant type: single nucleotide variant.
Coding change: c.1124A>C on transcript NM_017852.5 (MANE Select); coding-DNA position 1124, A replaced by C.
Protein change: p.Glu375Ala; replaces glutamic acid 375 with alanine.
Molecular consequence: missense variant. On other transcripts: non-coding transcript variant (1).
Genome position (GRCh38, 1-based): chr19:54,982,822, A>C. VCF-style: chr19-54982822-A-C. GRCh37 (hg19) VCF-style: chr19-55494190-A-C.
Other names: c.1124A>C, p.Glu375Ala (NM_001174081.3); c.1058A>C, p.Glu353Ala (NM_001174082.3); c.1055A>C, p.Glu352Ala (NM_001174083.2); c.1115A>C, p.Glu372Ala (NM_001348003.2); short protein forms E352A, E353A, E372A, E375A.
Identifiers: ClinVar variation 3368484 (VCV003368484.1).

ClinVar aggregate classification (germline): Uncertain significance (1 of 4 stars; one submission).

Submission:

GeneDx
Classification: Uncertain significance. Last evaluated: 2024-01-30. Review status: criteria provided, single submitter. Criteria: GeneDx Variant Classification Process June 2021. Collection method: clinical testing. Allele origin: germline. Affected: yes.
Comment: Not observed at significant frequency in large population cohorts (gnomAD); In silico analysis supports that this missense variant has a deleterious effect on protein structure/function; Has not been previously published as pathogenic or benign to our knowledge